The following is an entry in ClinVar:

ClinVar aggregate classification (germline): Uncertain significance (1 of 4 stars; one submission).

Conditions:
Epilepsy, progressive myoclonic, 1B. Also called: PME. Identifiers: Orphanet 308, MedGen C2676254, MONDO:0012904, OMIM 612437.

Submission:

Labcorp Genetics (formerly Invitae), Labcorp
Classification: Uncertain significance for Epilepsy, progressive myoclonic, 1B. Last evaluated: 2019-03-26. Review status: criteria provided, single submitter. Criteria: Invitae Variant Classification Sherloc (09022015). Collection method: clinical testing. Allele origin: germline.
Comment: This variant is not present in population databases (ExAC no frequency). This sequence change replaces phenylalanine with leucine at codon 633 of the PRICKLE1 protein (p.Phe633Leu). The phenylalanine residue is highly conserved and there is a small physicochemical difference between phenylalanine and leucine. In summary, the available evidence is currently insufficient to determine the role of this variant in disease. Therefore, it has been classified as a Variant of Uncertain Significance. Algorithms developed to predict the effect of missense changes on protein structure and function are either unavailable or do not agree on the potential impact of this missense change (SIFT: "Deleterious"; PolyPhen-2: "Probably Damaging"; Align-GVGD: "Class C0"). This variant has not been reported in the literature in individuals with PRICKLE1-related conditions.

NM_153026.3(PRICKLE1):c.1899T>G (p.Phe633Leu)

Gene: PRICKLE1 (prickle planar cell polarity protein 1; minus strand). Cytogenetic location: 12q12.
Variant type: single nucleotide variant.
Coding change: c.1899T>G on transcript NM_153026.3 (MANE Select); coding-DNA position 1899, T replaced by G.
Protein change: p.Phe633Leu; replaces phenylalanine 633 with leucine.
Molecular consequence: missense variant.
Genome position (GRCh38, 1-based): chr12:42,460,406, A>C on the plus strand (T>G on the coding strand, the complement: PRICKLE1 is on the minus strand). VCF-style: chr12-42460406-A-C. GRCh37 (hg19) VCF-style: chr12-42854208-A-C.
Other names: c.1899T>G, p.Phe633Leu (NM_001144881.2, NM_001144882.2, NM_001144883.2); short protein forms F633L.
Identifiers: ClinVar variation 848102 (VCV000848102.9), dbSNP rs3747563, ClinGen allele CA384440644.